The following is an entry in ClinVar:

NM_015338.6(ASXL1):c.1762C>T (p.Gln588Ter)

Gene: ASXL1 (ASXL transcriptional regulator 1; plus strand). Cytogenetic location: 20q11.21.
Variant type: single nucleotide variant.
Coding change: c.1762C>T on transcript NM_015338.6 (MANE Select); coding-DNA position 1762, C replaced by T.
Protein change: p.Gln588Ter; replaces glutamine 588 with a stop codon.
Molecular consequence: nonsense.
Genome position (GRCh38, 1-based): chr20:32,434,474, C>T. VCF-style: chr20-32434474-C-T. GRCh37 (hg19) VCF-style: chr20-31022277-C-T.
Other names: c.1579C>T, p.Gln527Ter (NM_001363734.1); short protein forms Q588*, Q527*.
Identifiers: ClinVar variation 620227 (VCV000620227.2), dbSNP rs1486082302, ClinGen allele CA408557874.

ClinVar aggregate classification (germline): Pathogenic (1 of 4 stars; one submission).

Allele frequency attached by ClinVar (database versions not stated): gnomAD exomes below 0.00001; gnomAD 0.00001.
gnomAD v4.1: 7 of 1,613,976 alleles (0.00043%); highest among the groups gnomAD compares: Non-Finnish European, 0.00059%; no homozygotes.

Submission:

GeneDx
Classification: Pathogenic. Last evaluated: 2023-05-03. Review status: criteria provided, single submitter. Criteria: GeneDx Variant Classification Process June 2021. Collection method: clinical testing. Allele origin: germline. Affected: yes.
Comment: Identified in a patient reported to have classic features of ASXL1-related Bohring-Opitz syndrome in the published literature (Russell et al., 2023); Nonsense variant predicted to result in protein truncation, as the last 954 amino acids are lost, and other loss-of-function variants have been reported downstream in HGMD; Not observed at significant frequency in large population cohorts (gnomAD); This variant is associated with the following publications: (PMID: 24613412, 28971906, 31925297, 35122023, 31772163, 36068610, 36751885)